The following is an entry in ClinVar:

NM_002907.4(RECQL):c.1832G>A (p.Gly611Asp)

Genes: PYROXD1 (pyridine nucleotide-disulphide oxidoreductase domain 1; plus strand), RECQL (RecQ like helicase; minus strand). Cytogenetic location: 12p12.1.
Variant type: single nucleotide variant.
Coding change: c.1832G>A on transcript NM_002907.4 (MANE Select); coding-DNA position 1832, G replaced by A.
Protein change: p.Gly611Asp; replaces glycine 611 with aspartic acid.
Molecular consequence: missense variant. On other transcripts: 3 prime UTR variant (3).
Genome position (GRCh38, 1-based): chr12:21,470,312, C>T on the plus strand (G>A on the coding strand, the complement: RECQL is on the minus strand). VCF-style: chr12-21470312-C-T. GRCh37 (hg19) VCF-style: chr12-21623246-C-T.
Other names: c.1832G>A, p.Gly611Asp (NM_032941.3); c.*1558C>T (NM_001350912.2, NM_001350913.2, NM_024854.5); short protein forms G611D.
Identifiers: ClinVar variation 3431772 (VCV003431772.1).

ClinVar aggregate classification (germline): Uncertain significance (1 of 4 stars; one submission).

gnomAD v4.1: 1 of 1,586,612 alleles (0.000063%); no homozygotes.

Submission:

Ambry Genetics
Classification: Uncertain significance. Last evaluated: 2024-07-07. Review status: criteria provided, single submitter. Criteria: Ambry Variant Classification Scheme 2023. Collection method: clinical testing. Allele origin: germline.
Comment: The p.G611D variant (also known as c.1832G>A), located in coding exon 14 of the RECQL gene, results from a G to A substitution at nucleotide position 1832. The glycine at codon 611 is replaced by aspartic acid, an amino acid with similar properties. This amino acid position is conserved. In addition, this alteration is predicted to be tolerated by in silico analysis. Based on the available evidence, the clinical significance of this variant remains unclear.